The following is an entry in ClinVar:

ClinVar aggregate classification (germline): Pathogenic/Likely pathogenic. Review status: criteria provided, multiple submitters, no conflicts (2 of 4 stars). 3 submissions from 3 submitters: Pathogenic (2); Likely pathogenic (1). Last evaluated 2023-10-30.

Conditions:
Neurofibromatosis, type 1 (NF1). Also called: VON RECKLINGHAUSEN DISEASE; Peripheral type neurofibromatosis; NEUROFIBROMATOSIS, TYPE I, SOMATIC; Neurofibromatosis, type I. Identifiers: Orphanet 636, MedGen C0027831, MONDO:0018975, OMIM 162200. Disease mechanism: loss of function.

Submissions (3):

Institute for Genomic Medicine (IGM) Clinical Laboratory, Nationwide Children's Hospital
Classification: Likely pathogenic for Neurofibromatosis, type 1. Last evaluated: 2023-10-30. Review status: criteria provided, single submitter. Criteria: ACMG Guidelines, 2015. Collection method: clinical testing. Allele origin: germline.
Comment: This variant is predicted to result in loss of function through nonsense-mediated decay of the encoded transcript or premature truncation of the encoded protein in a gene in which loss of function is a known mechanism of disease (ACMG/AMP: PVS1; PMIDs:23913538, 10712197). This variant is absent from or present at an exceedingly low frequency in gnomAD, a large-scale control population database (ACMG/AMP: PM2).

Labcorp Genetics (formerly Invitae), Labcorp
Classification: Pathogenic for Neurofibromatosis, type 1. Last evaluated: 2023-07-08. Review status: criteria provided, single submitter. Criteria: Invitae Variant Classification Sherloc (09022015). Collection method: clinical testing. Allele origin: germline.
Comment: For these reasons, this variant has been classified as Pathogenic. ClinVar contains an entry for this variant (Variation ID: 1070317). This premature translational stop signal has been observed in individual(s) with neurofibromatosis type 1 (PMID: 16835897). This variant is not present in population databases (gnomAD no frequency). This sequence change creates a premature translational stop signal (p.Leu2137*) in the NF1 gene. It is expected to result in an absent or disrupted protein product. Loss-of-function variants in NF1 are known to be pathogenic (PMID: 10712197, 23913538).

GeneDx
Classification: Pathogenic. Last evaluated: 2023-03-09. Review status: criteria provided, single submitter. Criteria: GeneDx Variant Classification Process June 2021. Collection method: clinical testing. Allele origin: germline. Affected: yes.
Comment: Nonsense variant predicted to result in protein truncation or nonsense mediated decay in a gene for which loss of function is a known mechanism of disease; Not observed at significant frequency in large population cohorts (gnomAD); This variant is associated with the following publications: (PMID: 25525159, 10712197, 16835897, 23913538)

Literature cited by the submitters: PubMed 23913538 (cited by Institute for Genomic Medicine (IGM) Clinical Laboratory, Nationwide Children's Hospital and Labcorp Genetics (formerly Invitae), Labcorp); PubMed 10712197 (cited by Institute for Genomic Medicine (IGM) Clinical Laboratory, Nationwide Children's Hospital and Labcorp Genetics (formerly Invitae), Labcorp); PubMed 16835897 (cited by Labcorp Genetics (formerly Invitae), Labcorp).

NM_001042492.3(NF1):c.6473T>A (p.Leu2158Ter)

Gene: NF1 (neurofibromin 1; plus strand). Cytogenetic location: 17q11.2.
Variant type: single nucleotide variant.
Coding change: c.6473T>A on transcript NM_001042492.3 (MANE Select); coding-DNA position 6473, T replaced by A.
Protein change: p.Leu2158Ter; replaces leucine 2158 with a stop codon.
Molecular consequence: nonsense.
Genome position (GRCh38, 1-based): chr17:31,337,413, T>A. VCF-style: chr17-31337413-T-A. GRCh37 (hg19) VCF-style: chr17-29664431-T-A.
Other names: c.6410T>A, p.Leu2137Ter (NM_000267.4); short protein forms L2137*, L2158*.
Identifiers: ClinVar variation 1070317 (VCV001070317.6), dbSNP rs2151556088, ClinGen allele CA399013083.
Genomic context (GRCh38, chr17:31,337,413, plus strand): 5'-TTTATTCTCTTACAGAAGAGACCAAGCAAGTTTTGAGACTCAGTCTGACAGAGTTCTCAT[T>A]ACCCAAATTTTACTTGCTGTTTGGCATTAGCAAAGTCAAGTCAGCTGCTGTCATTGCCTT-3'